The following is an entry in ClinVar:

ClinVar aggregate classification (germline): Uncertain significance (1 of 4 stars; one submission).

Conditions:
SYNE1-related disorder. Also called: SYNE1-related disease; SYNE1-related condition; SYNE1-related disorders.

gnomAD v4.1: 3 of 1,614,210 alleles (0.00019%); highest among the groups gnomAD compares: South Asian, 0.0022%; no homozygotes.

Submission:

PreventionGenetics, part of Exact Sciences
Classification: Uncertain significance for SYNE1-related condition. Last evaluated: 2025-09-24. Review status: criteria provided, single submitter. Criteria: ACMG Guidelines, 2015. Collection method: clinical testing. Allele origin: germline.
Comment: The SYNE1 c.23585A>G variant is predicted to result in the amino acid substitution p.Gln7862Arg. To our knowledge, this variant has not been reported in the literature. This variant is reported in 0.0033% of alleles in individuals of South Asian descent in gnomAD. At this time, the clinical significance of this variant is uncertain due to the absence of conclusive functional and genetic evidence.

NM_182961.4(SYNE1):c.23798A>G (p.Gln7933Arg)

Gene: SYNE1 (spectrin repeat containing nuclear envelope protein 1; minus strand). Cytogenetic location: 6q25.2.
Variant type: single nucleotide variant.
Coding change: c.23798A>G on transcript NM_182961.4 (MANE Select); coding-DNA position 23798, A replaced by G.
Protein change: p.Gln7933Arg; replaces glutamine 7933 with arginine.
Molecular consequence: missense variant.
Genome position (GRCh38, 1-based): chr6:152,156,090, T>C on the plus strand (A>G on the coding strand, the complement: SYNE1 is on the minus strand). VCF-style: chr6-152156090-T-C. GRCh37 (hg19) VCF-style: chr6-152477225-T-C.
Other names: c.404A>G, p.Gln135Arg (NM_001347701.2); c.263A>G, p.Gln88Arg (NM_001347702.2); c.23585A>G, p.Gln7862Arg (NM_033071.5); short protein forms Q7933R, Q135R, Q7862R, Q88R.
Identifiers: ClinVar variation 4991505 (VCV004991505.1).
Genomic context (GRCh38, chr6:152,156,090, plus strand): 5'-AGGACTTCACACAGGTTGAGGACAGATGCAACACCTGTACTGTGCTTCTCTATGTCTCTC[T>C]GAAGCTCCTGCAGGGGAACGTAACAGGCTTTATTCAACAATTACATGTATACAGATGAGA-3'
Protein context (NP_892006.3, residues 7923-7943): QRKLNEQQEL[Gln7933Arg]RDIEKHSTGV